The following is an entry in ClinVar:

ClinVar aggregate classification (germline): Uncertain significance (1 of 4 stars; one submission).

Conditions:
Cardiovascular phenotype. Identifiers: MedGen CN230736.

gnomAD v4.1: 7 of 1,614,208 alleles (0.00043%); highest among the groups gnomAD compares: African/African-American, 0.0013%; no homozygotes.

Submission:

Ambry Genetics
Classification: Uncertain significance for Cardiovascular phenotype. Last evaluated: 2025-12-19. Review status: criteria provided, single submitter. Criteria: Ambry Variant Classification Scheme 2023. Collection method: clinical testing. Allele origin: germline.
Comment: The c.-1C>T variant is located in the 5' untranslated region (5&rsquo; UTR) of the KCNE2 gene. This variant results from a C to T substitution 1 bases upstream from the first translated codon. This nucleotide position is poorly conserved in available vertebrate species. The evidence for this gene-disease relationship is limited; therefore, the clinical significance of this alteration is unclear.

NM_172201.2(KCNE2):c.-1C>T

Genes: KCNE2 (potassium voltage-gated channel subfamily E regulatory subunit 2; plus strand), LOC105372791 (uncharacterized LOC105372791; minus strand). Cytogenetic location: 21q22.11.
Variant type: single nucleotide variant.
Coding change: c.-1C>T on transcript NM_172201.2 (MANE Select); 1 bases upstream of the start codon, C replaced by T.
Molecular consequence: 5 prime UTR variant. On other transcripts: non-coding transcript variant (2).
Genome position (GRCh38, 1-based): chr21:34,370,478, C>T. VCF-style: chr21-34370478-C-T. GRCh37 (hg19) VCF-style: chr21-35742777-C-T.
Identifiers: ClinVar variation 4843202 (VCV004843202.1).